The following is an entry in ClinVar:

ClinVar aggregate classification (germline): Uncertain significance (1 of 4 stars; one submission).

Conditions:
Early-infantile DEE. Also called: Ohtahara syndrome; Early infantile epileptic encephalopathy; Early infantile epileptic encephalopathy with suppression bursts. Identifiers: Orphanet 1934, MedGen C0393706, MONDO:0800491.

gnomAD v4.1: 4 of 1,614,192 alleles (0.00025%); highest among the groups gnomAD compares: Admixed American, 0.0067%; no homozygotes.

Submission:

Labcorp Genetics (formerly Invitae), Labcorp
Classification: Uncertain significance for Early-infantile DEE. Last evaluated: 2024-02-24. Review status: criteria provided, single submitter. Criteria: Invitae Variant Classification Sherloc (09022015). Collection method: clinical testing. Allele origin: germline.
Comment: This sequence change replaces lysine, which is basic and polar, with asparagine, which is neutral and polar, at codon 1023 of the SPTAN1 protein (p.Lys1023Asn). This variant is present in population databases (rs749921643, gnomAD 0.006%). This variant has not been reported in the literature in individuals affected with SPTAN1-related conditions. Advanced modeling of protein sequence and biophysical properties (such as structural, functional, and spatial information, amino acid conservation, physicochemical variation, residue mobility, and thermodynamic stability) has been performed at Invitae for this missense variant, however the output from this modeling did not meet the statistical confidence thresholds required to predict the impact of this variant on SPTAN1 protein function. In summary, the available evidence is currently insufficient to determine the role of this variant in disease. Therefore, it has been classified as a Variant of Uncertain Significance.

NM_001130438.3(SPTAN1):c.3069A>C (p.Lys1023Asn)

Gene: SPTAN1 (spectrin alpha, non-erythrocytic 1; plus strand). Cytogenetic location: 9q34.11.
Variant type: single nucleotide variant.
Coding change: c.3069A>C on transcript NM_001130438.3 (MANE Select); coding-DNA position 3069, A replaced by C.
Protein change: p.Lys1023Asn; replaces lysine 1023 with asparagine.
Molecular consequence: missense variant.
Genome position (GRCh38, 1-based): chr9:128,591,539, A>C. VCF-style: chr9-128591539-A-C. GRCh37 (hg19) VCF-style: chr9-131353818-A-C.
Other names: c.3069A>C, p.Lys1023Asn (NM_001195532.2, NM_001363759.2, NM_001363765.2 and 5 more transcripts); c.3105A>C, p.Lys1035Asn (NM_001375312.2, NM_001375318.1); short protein forms K1023N, K1035N.
Identifiers: ClinVar variation 3657442 (VCV003657442.2).